The following is an entry in ClinVar:

NM_004606.5(TAF1):c.2428-10T>C

Gene: TAF1 (TATA-box binding protein associated factor 1; plus strand). Cytogenetic location: Xq13.1.
Variant type: single nucleotide variant.
Coding change: c.2428-10T>C on transcript NM_004606.5 (MANE Select); 10 bases into the intron before coding-DNA position 2428, T replaced by C.
Molecular consequence: intron variant.
Genome position (GRCh38, 1-based): chrX:71,388,227, T>C. VCF-style: chrX-71388227-T-C. GRCh37 (hg19) VCF-style: chrX-70608077-T-C.
Other names: c.2488-10T>C (NM_001286074.1); c.2428-10T>C (NM_001286074.2); c.2365-10T>C (NM_138923.4).
Identifiers: ClinVar variation 697922 (VCV000697922.10), dbSNP rs200950354, ClinGen allele CA10446880.

ClinVar aggregate classification (germline): Benign. Review status: criteria provided, single submitter (1 of 4 stars). 2 submissions from 2 submitters: Benign (1). 1 of the submissions does not count toward it. Last evaluated 2026-01-28.

Conditions:
TAF1-related disorder. Also called: TAF1-related condition.

Allele frequency attached by ClinVar (database versions not stated): gnomAD exomes 0.00010 and 0.00027; ExAC 0.00033; 1000 Genomes Project 0.00079; 1000 Genomes Project 30x 0.00083; gnomAD 0.00099 and 0.00104; TOPMed 0.00108; ESP Exome Variant Server 0.00123.
gnomAD v4.1: 226 of 1,208,388 alleles (0.019%); highest among the groups gnomAD compares: African/African-American, 0.35%; no homozygotes.

Submissions (2):

Labcorp Genetics (formerly Invitae), Labcorp
Classification: Benign. Last evaluated: 2026-01-28. Review status: criteria provided, single submitter. Criteria: Invitae Variant Classification Sherloc (09022015). Collection method: clinical testing. Allele origin: germline.

PreventionGenetics, part of Exact Sciences
Classification: Likely benign for TAF1-related condition. Last evaluated: 2023-04-14. Review status: no assertion criteria provided. Collection method: clinical testing. Allele origin: germline. Not counted in ClinVar's aggregate classification.
Comment: This variant is classified as likely benign based on ACMG/AMP sequence variant interpretation guidelines (Richards et al. 2015 PMID: 25741868, with internal and published modifications).